The following is an entry in ClinVar:

ClinVar aggregate classification (germline): Uncertain significance. Review status: criteria provided, multiple submitters, no conflicts (2 of 4 stars). 2 submissions from 2 submitters: Uncertain significance (2). Last evaluated 2024-11-23.

Allele frequency attached by ClinVar (database versions not stated): TOPMed below 0.00001; gnomAD 0.00001.
gnomAD v4.1: 9 of 1,612,526 alleles (0.00056%); highest among the groups gnomAD compares: East Asian, 0.0022%; no homozygotes.

Submissions (2):

Ambry Genetics
Classification: Uncertain significance. Last evaluated: 2024-11-23. Review status: criteria provided, single submitter. Criteria: Ambry Variant Classification Scheme 2023. Collection method: clinical testing. Allele origin: germline.

Labcorp Genetics (formerly Invitae), Labcorp
Classification: Uncertain significance. Last evaluated: 2023-10-09. Review status: criteria provided, single submitter. Criteria: Invitae Variant Classification Sherloc (09022015). Collection method: clinical testing. Allele origin: germline.
Comment: This sequence change replaces phenylalanine, which is neutral and non-polar, with leucine, which is neutral and non-polar, at codon 262 of the ZNF687 protein (p.Phe262Leu). This variant is not present in population databases (gnomAD no frequency). This variant has not been reported in the literature in individuals affected with ZNF687-related conditions. An algorithm developed to predict the effect of missense changes on protein structure and function (PolyPhen-2) suggests that this variant is likely to be disruptive. In summary, the available evidence is currently insufficient to determine the role of this variant in disease. Therefore, it has been classified as a Variant of Uncertain Significance.

NM_020832.3(ZNF687):c.784T>C (p.Phe262Leu)

Gene: ZNF687 (zinc finger protein 687; plus strand). Cytogenetic location: 1q21.3.
Variant type: single nucleotide variant.
Coding change: c.784T>C on transcript NM_020832.3 (MANE Select); coding-DNA position 784, T replaced by C.
Protein change: p.Phe262Leu; replaces phenylalanine 262 with leucine.
Molecular consequence: missense variant.
Genome position (GRCh38, 1-based): chr1:151,287,075, T>C. VCF-style: chr1-151287075-T-C. GRCh37 (hg19) VCF-style: chr1-151259551-T-C.
Other names: c.784T>C, p.Phe262Leu (NM_001304763.2, NM_001304764.2); c.784T>C (NM_020832.1); short protein forms F262L.
Identifiers: ClinVar variation 2969691 (VCV002969691.4), dbSNP rs1181090676, ClinGen allele CA341932187.